The following is an entry in ClinVar:

NM_018139.3(DNAAF2):c.1083CGC[2] (p.Ala364_Ala365del)

Genes: DNAAF2 (dynein axonemal assembly factor 2; minus strand), LOC130055542 (ATAC-STARR-seq lymphoblastoid silent region 5699; plus strand). Cytogenetic location: 14q21.3.
Variant type: Microsatellite.
Coding change: c.1083CGC[2] on transcript NM_018139.3 (MANE Select); two copies in a row of the 3-base unit CGC starting at c.1083; the reference has four copies in a row; two copies, 6 bases deleted.
Protein change: p.Ala364_Ala365del.
Genome position (GRCh38, 1-based): chr14:49,634,056-49,634,061, GCGGCG deleted on the plus strand (CGCCGC on the coding strand, the reverse complement: DNAAF2 is on the minus strand); deleting any 6 consecutive bases within chr14:49,634,056-49,634,067 gives the same sequence; the position shown is the placement nearest the transcript's 3' end. VCF-style (leftmost placement, unchanged base first): chr14-49634055-CGCGGCG-C. GRCh37 (hg19) VCF-style: chr14-50100773-CGCGGCG-C.
Other names: c.1083CGC[2], p.Ala364_Ala365del (NM_001083908.2).
Identifiers: ClinVar variation 3366178 (VCV003366178.1).

ClinVar aggregate classification (germline): Uncertain significance (1 of 4 stars; one submission).

Submission:

GeneDx
Classification: Uncertain significance. Last evaluated: 2023-10-15. Review status: criteria provided, single submitter. Criteria: GeneDx Variant Classification Process June 2021. Collection method: clinical testing. Allele origin: germline. Affected: yes.
Comment: Not observed at significant frequency in large population cohorts (gnomAD); In-frame deletion of two amino acids in a non-repeat region; In silico analysis supports that this variant does not alter protein structure/function; Has not been previously published as pathogenic or benign to our knowledge